The following is an entry in ClinVar:

ClinVar aggregate classification (germline): Uncertain significance (1 of 4 stars; one submission).

Conditions:
Hereditary cancer-predisposing syndrome. Also called: Neoplastic Syndromes, Hereditary; Tumor predisposition; Hereditary Cancer Syndrome; Hereditary neoplastic syndrome. Identifiers: Orphanet 140162, MedGen C0027672, MeSH D009386, MONDO:0015356.

Submission:

Ambry Genetics
Classification: Uncertain significance for Hereditary cancer-predisposing syndrome. Last evaluated: 2022-09-26. Review status: criteria provided, single submitter. Criteria: Ambry Variant Classification Scheme 2023. Collection method: clinical testing. Allele origin: germline.
Comment: The p.A251S variant (also known as c.751G>T), located in coding exon 3 of the PHOX2B gene, results from a G to T substitution at nucleotide position 751. The alanine at codon 251 is replaced by serine, an amino acid with similar properties. This amino acid position is conserved. In addition, this alteration is predicted to be tolerated by in silico analysis. Since supporting evidence is limited at this time, the clinical significance of this alteration remains unclear.

NM_003924.4(PHOX2B):c.751G>T (p.Ala251Ser)

Genes: PHOX2B (paired like homeobox 2B; minus strand), LOC110011216 (paired like homeobox 2b polyalanine repeat instability region; plus strand). Cytogenetic location: 4p13.
Variant type: single nucleotide variant.
Coding change: c.751G>T on transcript NM_003924.4 (MANE Select); coding-DNA position 751, G replaced by T.
Protein change: p.Ala251Ser; replaces alanine 251 with serine.
Molecular consequence: missense variant.
Genome position (GRCh38, 1-based): chr4:41,746,001, C>A on the plus strand (G>T on the coding strand, the complement: PHOX2B is on the minus strand). VCF-style: chr4-41746001-C-A. GRCh37 (hg19) VCF-style: chr4-41748018-C-A.
Other names: short protein forms A251S.
Identifiers: ClinVar variation 1759330 (VCV001759330.2), dbSNP rs2552096815, ClinGen allele CA356737201.